The following is an entry in ClinVar:

ClinVar aggregate classification (germline): Uncertain significance (1 of 4 stars; one submission).

Submission:

Labcorp Genetics (formerly Invitae), Labcorp
Classification: Uncertain significance. Last evaluated: 2023-10-30. Review status: criteria provided, single submitter. Criteria: Invitae Variant Classification Sherloc (09022015). Collection method: clinical testing. Allele origin: germline.
Comment: This sequence change replaces threonine, which is neutral and polar, with serine, which is neutral and polar, at codon 254 of the REST protein (p.Thr254Ser). This variant is present in population databases (no rsID available, gnomAD 0.0009%). This variant has not been reported in the literature in individuals affected with REST-related conditions. An algorithm developed to predict the effect of missense changes on protein structure and function (PolyPhen-2) suggests that this variant is likely to be disruptive. In summary, the available evidence is currently insufficient to determine the role of this variant in disease. Therefore, it has been classified as a Variant of Uncertain Significance.

NM_005612.5(REST):c.760A>T (p.Thr254Ser)

Gene: REST (RE1 silencing transcription factor; plus strand). Cytogenetic location: 4q12.
Variant type: single nucleotide variant.
Coding change: c.760A>T on transcript NM_005612.5 (MANE Select); coding-DNA position 760, A replaced by T.
Protein change: p.Thr254Ser; replaces threonine 254 with serine.
Molecular consequence: missense variant.
Genome position (GRCh38, 1-based): chr4:56,911,398, A>T. VCF-style: chr4-56911398-A-T. GRCh37 (hg19) VCF-style: chr4-57777564-A-T.
Other names: c.760A>T, p.Thr254Ser (NM_001193508.2, NM_001363453.3); short protein forms T254S.
Identifiers: ClinVar variation 2960203 (VCV002960203.3), dbSNP rs1299598810, ClinGen allele CA357004760.
Genomic context (GRCh38, chr4:56,911,398, plus strand): 5'-CACCTGAAACACCACACCAGAGCTGGGGATAATGAGCGAGTCTACAAGTGTATCATTTGC[A>T]CATACACAACAGTGAGCGAGTATCACTGGAGGAAACATTTAAGAAACCATTTTCCAAGGA-3'
Protein context (NP_005603.3, residues 244-264): NERVYKCIIC[Thr254Ser]YTTVSEYHWR